The following is an entry in ClinVar:

NM_005560.6(LAMA5):c.10029T>A (p.Phe3343Leu)

Gene: LAMA5 (laminin subunit alpha 5; minus strand). Cytogenetic location: 20q13.33.
Variant type: single nucleotide variant.
Coding change: c.10029T>A on transcript NM_005560.6 (MANE Select); coding-DNA position 10029, T replaced by A.
Protein change: p.Phe3343Leu; replaces phenylalanine 3343 with leucine.
Molecular consequence: missense variant.
Genome position (GRCh38, 1-based): chr20:62,311,221, A>T on the plus strand (T>A on the coding strand, the complement: LAMA5 is on the minus strand). VCF-style: chr20-62311221-A-T. GRCh37 (hg19) VCF-style: chr20-60886277-A-T.
Other names: c.10029T>A (NM_005560.3); short protein forms F3343L.
Identifiers: ClinVar variation 3771383 (VCV003771383.13).

ClinVar aggregate classification (germline): Uncertain significance. Review status: criteria provided, multiple submitters, no conflicts (2 of 4 stars). 2 submissions from 2 submitters: Uncertain significance (2). Last evaluated 2025-03-28.

Conditions:
Inborn genetic diseases. Identifiers: MedGen C0950123, MeSH D030342.

gnomAD v4.1: 76 of 1,609,970 alleles (0.0047%); highest among the groups gnomAD compares: Non-Finnish European, 0.0046%; no homozygotes.

Submissions (2):

Ambry Genetics
Classification: Uncertain significance for Inborn genetic diseases. Last evaluated: 2025-03-28. Review status: criteria provided, single submitter. Criteria: Ambry Variant Classification Scheme 2023. Collection method: clinical testing. Allele origin: germline.

CeGaT Center for Human Genetics Tuebingen
Classification: Uncertain significance. Last evaluated: 2025-02-01. Review status: criteria provided, single submitter. Criteria: CeGaT Center For Human Genetics Tuebingen Variant Classification Criteria Version 2. Collection method: clinical testing. Allele origin: germline. Affected: yes. Observed: 1 variant allele.
Comment: LAMA5: PM2